The following is an entry in ClinVar:

ClinVar aggregate classification (germline): Uncertain significance. Review status: criteria provided, multiple submitters, no conflicts (2 of 4 stars). 2 submissions from 2 submitters: Uncertain significance (2). Last evaluated 2024-07-31.

gnomAD v4.1: 77 of 1,613,716 alleles (0.0048%); highest among the groups gnomAD compares: Non-Finnish European, 0.006%; no homozygotes.

Submissions (2):

Labcorp Genetics (formerly Invitae), Labcorp
Classification: Uncertain significance. Last evaluated: 2024-07-31. Review status: criteria provided, single submitter. Criteria: Invitae Variant Classification Sherloc (09022015). Collection method: clinical testing. Allele origin: germline.
Comment: This sequence change replaces arginine, which is basic and polar, with cysteine, which is neutral and slightly polar, at codon 388 of the GRM6 protein (p.Arg388Cys). This variant is present in population databases (rs150140836, gnomAD 0.004%). This variant has not been reported in the literature in individuals affected with GRM6-related conditions. Advanced modeling of protein sequence and biophysical properties (such as structural, functional, and spatial information, amino acid conservation, physicochemical variation, residue mobility, and thermodynamic stability) performed at Invitae indicates that this missense variant is expected to disrupt GRM6 protein function with a positive predictive value of 80%. In summary, the available evidence is currently insufficient to determine the role of this variant in disease. Therefore, it has been classified as a Variant of Uncertain Significance.

Blueprint Genetics
Classification: Uncertain significance. Last evaluated: 2022-02-28. Review status: criteria provided, single submitter. Criteria: ACMG Guidelines, 2015. Collection method: clinical testing. Allele origin: germline.

NM_000843.4(GRM6):c.1162C>T (p.Arg388Cys)

Genes: GRM6 (glutamate metabotropic receptor 6; minus strand), ZNF454 (zinc finger protein 454; plus strand). Cytogenetic location: 5q35.3.
Variant type: single nucleotide variant.
Coding change: c.1162C>T on transcript NM_000843.4 (MANE Select); coding-DNA position 1162, C replaced by T.
Protein change: p.Arg388Cys; replaces arginine 388 with cysteine.
Molecular consequence: missense variant.
Genome position (GRCh38, 1-based): chr5:178,989,127, G>A on the plus strand (C>T on the coding strand, the complement: GRM6 is on the minus strand). VCF-style: chr5-178989127-G-A. GRCh37 (hg19) VCF-style: chr5-178416128-G-A.
Other names: short protein forms R388C.
Identifiers: ClinVar variation 3706021 (VCV003706021.3).